The following is an entry in ClinVar:

NM_001365951.3(KIF1B):c.4232G>A (p.Arg1411Gln)

Gene: KIF1B (kinesin family member 1B; plus strand). Cytogenetic location: 1p36.22.
Variant type: single nucleotide variant.
Coding change: c.4232G>A on transcript NM_001365951.3 (MANE Select); coding-DNA position 4232, G replaced by A.
Protein change: p.Arg1411Gln; replaces arginine 1411 with glutamine.
Molecular consequence: missense variant.
Genome position (GRCh38, 1-based): chr1:10,361,753, G>A. VCF-style: chr1-10361753-G-A. GRCh37 (hg19) VCF-style: chr1-10421811-G-A.
Other names: c.4232G>A, p.Arg1411Gln (NM_001365952.1); c.4094G>A, p.Arg1365Gln (NM_015074.3); short protein forms R1365Q, R1411Q.
Identifiers: ClinVar variation 2625744 (VCV002625744.3), dbSNP rs2521885988, ClinGen allele CA338317479.

ClinVar aggregate classification (germline): Uncertain significance (1 of 4 stars; one submission).

Allele frequency attached by ClinVar (database versions not stated): gnomAD exomes below 0.00001.
gnomAD v4.1: 1 of 1,614,028 alleles (0.000062%); highest among the groups gnomAD compares: Non-Finnish European, 0.000085%; no homozygotes.

Submission:

Ambry Genetics
Classification: Uncertain significance. Last evaluated: 2025-09-19. Review status: criteria provided, single submitter. Criteria: Ambry Variant Classification Scheme 2023. Collection method: clinical testing. Allele origin: germline.
Comment: The p.R1365Q variant (also known as c.4094G>A), located in coding exon 37 of the KIF1B gene, results from a G to A substitution at nucleotide position 4094. The arginine at codon 1365 is replaced by glutamine, an amino acid with highly similar properties. This amino acid position is conserved. In addition, this alteration is predicted to be deleterious by in silico analysis. Since supporting evidence is limited at this time, the clinical significance of this alteration remains unclear.